The following is an entry in ClinVar:

NM_001563.4(IMPG1):c.1212+6T>C

Gene: IMPG1 (interphotoreceptor matrix proteoglycan 1; minus strand). Cytogenetic location: 6q14.1.
Variant type: single nucleotide variant.
Coding change: c.1212+6T>C on transcript NM_001563.4 (MANE Select); 6 bases into the intron after coding-DNA position 1212, T replaced by C.
Molecular consequence: intron variant.
Genome position (GRCh38, 1-based): chr6:76,003,868, A>G on the plus strand (T>C on the coding strand, the complement: IMPG1 is on the minus strand). VCF-style: chr6-76003868-A-G. GRCh37 (hg19) VCF-style: chr6-76713585-A-G.
Other names: c.978+6T>C (NM_001282368.2).
Identifiers: ClinVar variation 1442441 (VCV001442441.6), dbSNP rs750586610, ClinGen allele CA3898200.

ClinVar aggregate classification (germline): Uncertain significance (1 of 4 stars; one submission).

Allele frequency attached by ClinVar (database versions not stated): ExAC 0.00001; gnomAD exomes 0.00001 and 0.00003; gnomAD 0.00002; TOPMed 0.00002.
gnomAD v4.1: 39 of 1,607,820 alleles (0.0024%); highest among the groups gnomAD compares: Non-Finnish European, 0.0032%; no homozygotes.

Submission:

Labcorp Genetics (formerly Invitae), Labcorp
Classification: Uncertain significance. Last evaluated: 2023-03-10. Review status: criteria provided, single submitter. Criteria: Invitae Variant Classification Sherloc (09022015). Collection method: clinical testing. Allele origin: germline.
Comment: In summary, the available evidence is currently insufficient to determine the role of this variant in disease. Therefore, it has been classified as a Variant of Uncertain Significance. Variants that disrupt the consensus splice site are a relatively common cause of aberrant splicing (PMID: 17576681, 9536098). Algorithms developed to predict the effect of sequence changes on RNA splicing suggest that this variant is not likely to affect RNA splicing. ClinVar contains an entry for this variant (Variation ID: 1442441). This sequence change falls in intron 11 of the IMPG1 gene. It does not directly change the encoded amino acid sequence of the IMPG1 protein. It affects a nucleotide within the consensus splice site. This variant is present in population databases (rs750586610, gnomAD 0.006%). This variant has not been reported in the literature in individuals affected with IMPG1-related conditions.

Literature cited by the submitters: PubMed 17576681; PubMed 9536098.